The following is an entry in ClinVar:

NM_001267550.2(TTN):c.75984_75985insTACCA (p.Ala25329fs)

Genes: TTN (titin; minus strand), TTN-AS1 (TTN antisense RNA 1; plus strand). Cytogenetic location: 2q31.2.
Variant type: Insertion.
Coding change: c.75984_75985insTACCA on transcript NM_001267550.2 (MANE Select); coding-DNA positions 75984 to 75985, TACCA inserted.
Protein change: p.Ala25329fs; shifts the reading frame from alanine 25329.
Molecular consequence: frameshift variant.
Genome position: GRCh38 VCF-style: chr2-178570147-C-CTGGTA. GRCh37 (hg19) VCF-style: chr2-179434874-C-CTGGTA.
Other names: c.71061_71062insTACCA, p.Ala23688fs (NM_001256850.1); c.48789_48790insTACCA, p.Ala16264fs (NM_003319.4); c.68280_68281insTACCA, p.Ala22761fs (NM_133378.4); c.49164_49165insTACCA, p.Ala16389fs (NM_133432.3); c.49365_49366insTACCA, p.Ala16456fs (NM_133437.4); short protein forms A22761fs, A16264fs, A23688fs, A25329fs, A16456fs, A16389fs.
Identifiers: ClinVar variation 862607 (VCV000862607.1), dbSNP rs1707618662, ClinGen allele CA916081342.

ClinVar aggregate classification (germline): Likely pathogenic (1 of 4 stars; one submission).

Conditions:
Dilated cardiomyopathy 1G (CMD1G). Identifiers: Orphanet 154, MedGen C1858763, MONDO:0011400, OMIM 604145.
Autosomal recessive limb-girdle muscular dystrophy type 2J (LGMDR10). Also called: MUSCULAR DYSTROPHY, LIMB-GIRDLE, AUTOSOMAL RECESSIVE 10; Limb-girdle muscular dystrophy, type 2J. Identifiers: Orphanet 140922, MedGen C1837342, MONDO:0012127, OMIM 608807.

Submission:

Labcorp Genetics (formerly Invitae), Labcorp
Classification: Likely pathogenic for Dilated cardiomyopathy 1G; Limb-girdle muscular dystrophy, type 2J. Last evaluated: 2019-12-30. Review status: criteria provided, single submitter. Criteria: Invitae Variant Classification Sherloc (09022015). Collection method: clinical testing. Allele origin: germline.
Comment: This sequence change results in a premature translational stop signal in the TTN gene (p.Ala25329Tyrfs*32). While this is not anticipated to result in nonsense mediated decay, it is expected to create a truncated TTN protein. This variant is not present in population databases (ExAC no frequency). This variant has not been reported in the literature in individuals with TTN-related conditions. This variant is located in the A band of TTN (PMID: 25589632). Truncating variants in this region are significantly overrepresented in patients affected with dilated cardiomyopathy (PMID: 25589632). Truncating variants in this region have also been reported in individuals affected with autosomal recessive centronuclear myopathy (PMID: 23975875). In summary, the currently available evidence indicates that the variant is pathogenic, but additional data are needed to prove that conclusively. Therefore, this variant has been classified as Likely Pathogenic.

Literature cited by the submitters: PubMed 23975875; PubMed 25589632.